The following is an entry in ClinVar:

NM_144997.7(FLCN):c.208G>C (p.Glu70Gln)

Gene: FLCN (folliculin; minus strand). Cytogenetic location: 17p11.2.
Variant type: single nucleotide variant.
Coding change: c.208G>C on transcript NM_144997.7 (MANE Select); coding-DNA position 208, G replaced by C.
Protein change: p.Glu70Gln; replaces glutamic acid 70 with glutamine.
Molecular consequence: missense variant.
Genome position (GRCh38, 1-based): chr17:17,227,930, C>G on the plus strand (G>C on the coding strand, the complement: FLCN is on the minus strand). VCF-style: chr17-17227930-C-G. GRCh37 (hg19) VCF-style: chr17-17131244-C-G.
Other names: c.208G>C, p.Glu70Gln (NM_001353229.2, NM_001353230.2, NM_001353231.2 and 1 more transcripts); short protein forms E70Q.
Identifiers: ClinVar variation 2829775 (VCV002829775.4), dbSNP rs554247745, ClinGen allele CA398535101.

ClinVar aggregate classification (germline): Uncertain significance. Review status: criteria provided, multiple submitters, no conflicts (2 of 4 stars). 2 submissions from 2 submitters: Uncertain significance (2). Last evaluated 2024-04-22.

Conditions:
Birt-Hogg-Dube syndrome. Also called: Birt Hogg Dubé syndrome. Identifiers: Orphanet 122, MedGen C0346010, MONDO:0800444.
Hereditary cancer-predisposing syndrome. Also called: Neoplastic Syndromes, Hereditary; Tumor predisposition; Hereditary Cancer Syndrome; Hereditary neoplastic syndrome. Identifiers: Orphanet 140162, MedGen C0027672, MeSH D009386, MONDO:0015356.

gnomAD v4.1: 1 of 1,614,124 alleles (0.000062%); no homozygotes.

Submissions (2):

Ambry Genetics
Classification: Uncertain significance for Hereditary cancer-predisposing syndrome. Last evaluated: 2024-04-22. Review status: criteria provided, single submitter. Criteria: Ambry Variant Classification Scheme 2023. Collection method: clinical testing. Allele origin: germline.
Comment: The p.E70Q variant (also known as c.208G>C), located in coding exon 1 of the FLCN gene, results from a G to C substitution at nucleotide position 208. The glutamic acid at codon 70 is replaced by glutamine, an amino acid with highly similar properties. This amino acid position is conserved. In addition, this alteration is predicted to be tolerated by in silico analysis. Based on the available evidence, the clinical significance of this variant remains unclear.

Labcorp Genetics (formerly Invitae), Labcorp
Classification: Uncertain significance for Birt-Hogg-Dube syndrome. Last evaluated: 2023-02-24. Review status: criteria provided, single submitter. Criteria: Invitae Variant Classification Sherloc (09022015). Collection method: clinical testing. Allele origin: germline.
Comment: In summary, the available evidence is currently insufficient to determine the role of this variant in disease. Therefore, it has been classified as a Variant of Uncertain Significance. Advanced modeling of protein sequence and biophysical properties (such as structural, functional, and spatial information, amino acid conservation, physicochemical variation, residue mobility, and thermodynamic stability) performed at Invitae indicates that this missense variant is not expected to disrupt FLCN protein function. This variant has not been reported in the literature in individuals affected with FLCN-related conditions. This variant is not present in population databases (gnomAD no frequency). This sequence change replaces glutamic acid, which is acidic and polar, with glutamine, which is neutral and polar, at codon 70 of the FLCN protein (p.Glu70Gln).